The following is an entry in ClinVar:

NM_138477.4(CDAN1):c.982G>A (p.Val328Ile)

Gene: CDAN1 (codanin 1; minus strand). Cytogenetic location: 15q15.2.
Variant type: single nucleotide variant.
Coding change: c.982G>A on transcript NM_138477.4 (MANE Select); coding-DNA position 982, G replaced by A.
Protein change: p.Val328Ile; replaces valine 328 with isoleucine.
Molecular consequence: missense variant.
Genome position (GRCh38, 1-based): chr15:42,735,336, C>T on the plus strand (G>A on the coding strand, the complement: CDAN1 is on the minus strand). VCF-style: chr15-42735336-C-T. GRCh37 (hg19) VCF-style: chr15-43027534-C-T.
Other names: short protein forms V328I.
Identifiers: ClinVar variation 887149 (VCV000887149.34), dbSNP rs144448301, ClinGen allele CA7516207.

ClinVar aggregate classification (germline): Uncertain significance. Review status: criteria provided, multiple submitters, no conflicts (2 of 4 stars). 7 submissions from 7 submitters: Uncertain significance (7). Last evaluated 2025-07-15.

Conditions:
Congenital dyserythropoietic anemia, type I. Also called: Dyserythropoietic anemia, congenital type 1. Identifiers: Orphanet 98869, MedGen C0271933, MONDO:0020337. Disease mechanism: loss of function.
Anemia, congenital dyserythropoietic, type 1a (CDAN1A). Also called: CDAN1-Related Congenital Dyserythropoietic Anemia; DYSERYTHROPOIETIC ANEMIA, CONGENITAL, TYPE Ia. Identifiers: MedGen C5574667, MONDO:0009135, OMIM 224120.
Inborn genetic diseases. Identifiers: MedGen C0950123, MeSH D030342.

Allele frequency attached by ClinVar (database versions not stated): 1000 Genomes Project 30x 0.00016; 1000 Genomes Project 0.00020; gnomAD 0.00048 and 0.00050; TOPMed 0.00052; ESP Exome Variant Server 0.00054; gnomAD exomes 0.00068 and 0.00069; ExAC 0.00123.
gnomAD v4.1: 1,080 of 1,609,406 alleles (0.067%); highest among the groups gnomAD compares: Middle Eastern, 0.099%; no homozygotes.

Submissions (7):

Ambry Genetics
Classification: Uncertain significance for Inborn genetic diseases. Last evaluated: 2025-07-15. Review status: criteria provided, single submitter. Criteria: Ambry Variant Classification Scheme 2023. Collection method: clinical testing. Allele origin: germline.

ARUP Laboratories, Molecular Genetics and Genomics, ARUP Laboratories
Classification: Uncertain significance for Anemia, congenital dyserythropoietic, type 1a. Last evaluated: 2024-10-18. Review status: criteria provided, single submitter. Criteria: ARUP Molecular Germline Variant Investigation Process 2024. Collection method: clinical testing. Allele origin: germline.
Comment: The CDAN1 c.982G>A; p.Val328Ile variant (rs144448301), to our knowledge, is not reported in the medical literature but is reported in ClinVar (Variation ID: 887149). This variant is found in the general population with an overall allele frequency of 0.07% (180/273274 alleles) in the Genome Aggregation Database (v2.1.1). Computational analyses are uncertain whether this variant is neutral or deleterious (REVEL: 0.237). Due to limited information, the clinical significance of this variant is uncertain at this time.

CeGaT Center for Human Genetics Tuebingen
Classification: Uncertain significance. Last evaluated: 2024-05-01. Review status: criteria provided, single submitter. Criteria: CeGaT Center For Human Genetics Tuebingen Variant Classification Criteria Version 2. Collection method: clinical testing. Allele origin: germline. Affected: yes. Observed: 1 variant allele.
Comment: CDAN1: PM2

Labcorp Genetics (formerly Invitae), Labcorp
Classification: Uncertain significance. Last evaluated: 2022-07-21. Review status: criteria provided, single submitter. Criteria: Invitae Variant Classification Sherloc (09022015). Collection method: clinical testing. Allele origin: germline.
Comment: This sequence change replaces valine, which is neutral and non-polar, with isoleucine, which is neutral and non-polar, at codon 328 of the CDAN1 protein (p.Val328Ile). This variant is present in population databases (rs144448301, gnomAD 0.1%), and has an allele count higher than expected for a pathogenic variant. This variant has not been reported in the literature in individuals affected with CDAN1-related conditions. ClinVar contains an entry for this variant (Variation ID: 887149). Algorithms developed to predict the effect of missense changes on protein structure and function output the following: SIFT: "Tolerated"; PolyPhen-2: "Probably Damaging"; Align-GVGD: "Class C0". The isoleucine amino acid residue is found in multiple mammalian species, which suggests that this missense change does not adversely affect protein function. In summary, the available evidence is currently insufficient to determine the role of this variant in disease. Therefore, it has been classified as a Variant of Uncertain Significance.

Baylor Genetics
Classification: Uncertain significance for Anemia, congenital dyserythropoietic, type 1a. Last evaluated: 2019-11-08. Review status: criteria provided, single submitter. Criteria: ACMG Guidelines, 2015. Collection method: clinical testing. Allele origin: unknown. Affected: yes.
Comment: This variant was determined to be of uncertain significance according to ACMG Guidelines, 2015 [PMID:25741868].

Mayo Clinic Laboratories, Mayo Clinic
Classification: Uncertain significance. Last evaluated: 2019-08-22. Review status: criteria provided, single submitter. Criteria: ACMG Guidelines, 2015. Collection method: clinical testing. Allele origin: germline. Observed: 1 variant allele.

Illumina Laboratory Services, Illumina
Classification: Uncertain significance for Anemia, congenital dyserythropoietic, type 1a. Last evaluated: 2018-01-12. Review status: criteria provided, single submitter. Criteria: ICSL Variant Classification Criteria 13 December 2019. Collection method: clinical testing. Allele origin: germline.